The following is an entry in ClinVar:

ClinVar aggregate classification (germline): Uncertain significance. Review status: criteria provided, multiple submitters, no conflicts (2 of 4 stars). 2 submissions from 2 submitters: Uncertain significance (2). Last evaluated 2024-05-22.

Conditions:
Orofacial cleft 11 (OFC11). Also called: Orofacial cleft 11; ofc11; CLEFT LIP WITH OR WITHOUT CLEFT PALATE, NONSYNDROMIC, 11. Identifiers: MedGen C2677434, MONDO:0010906, OMIM 600625.
Microphthalmia with brain and digit anomalies (MCOPS6). Also called: Microphthalmia, syndromic 6; MICROPHTHALMIA AND PITUITARY ANOMALIES. Identifiers: Orphanet 139471, MedGen C1864689, MONDO:0011936, OMIM 607932.

Allele frequency attached by ClinVar (database versions not stated): gnomAD exomes 0.00003; ExAC 0.00004; TOPMed 0.00012.
gnomAD v4.1: 60 of 1,613,954 alleles (0.0037%); highest among the groups gnomAD compares: African/African-American, 0.037%; no homozygotes.

Submissions (2):

Fulgent Genetics
Classification: Uncertain significance for Orofacial cleft 11; Microphthalmia with brain and digit anomalies. Last evaluated: 2024-05-22. Review status: criteria provided, single submitter. Criteria: ACMG Guidelines, 2015. Collection method: clinical testing. Allele origin: germline.

Labcorp Genetics (formerly Invitae), Labcorp
Classification: Uncertain significance for Microphthalmia with brain and digit anomalies; Orofacial cleft 11. Last evaluated: 2024-04-22. Review status: criteria provided, single submitter. Criteria: Invitae Variant Classification Sherloc (09022015). Collection method: clinical testing. Allele origin: germline.
Comment: This sequence change replaces arginine, which is basic and polar, with histidine, which is basic and polar, at codon 177 of the BMP4 protein (p.Arg177His). This variant is present in population databases (rs201411996, gnomAD 0.02%). This variant has not been reported in the literature in individuals affected with BMP4-related conditions. Advanced modeling of protein sequence and biophysical properties (such as structural, functional, and spatial information, amino acid conservation, physicochemical variation, residue mobility, and thermodynamic stability) performed at Invitae indicates that this missense variant is not expected to disrupt BMP4 protein function with a negative predictive value of 80%. In summary, the available evidence is currently insufficient to determine the role of this variant in disease. Therefore, it has been classified as a Variant of Uncertain Significance.

NM_001202.6(BMP4):c.530G>A (p.Arg177His)

Gene: BMP4 (bone morphogenetic protein 4; minus strand). Cytogenetic location: 14q22.2.
Variant type: single nucleotide variant.
Coding change: c.530G>A on transcript NM_001202.6 (MANE Select); coding-DNA position 530, G replaced by A.
Protein change: p.Arg177His; replaces arginine 177 with histidine.
Molecular consequence: missense variant.
Genome position (GRCh38, 1-based): chr14:53,950,729, C>T on the plus strand (G>A on the coding strand, the complement: BMP4 is on the minus strand). VCF-style: chr14-53950729-C-T. GRCh37 (hg19) VCF-style: chr14-54417447-C-T.
Other names: c.671G>A, p.Arg224His (NM_001347912.1); c.341G>A, p.Arg114His (NM_001347913.2, NM_001347915.2, NM_001347917.1); c.530G>A, p.Arg177His (NM_001347914.2, NM_001347916.1, NM_130850.5 and 1 more transcripts); short protein forms R224H, R114H, R177H.
Identifiers: ClinVar variation 2923978 (VCV002923978.4), dbSNP rs201411996, ClinGen allele CA7191722.
Genomic context (GRCh38, chr14:53,950,729, plus strand): 5'-GTGATGAGGTGCCCAGGCACCACTTCTGCTGGGGGCTTCATAACCTCATAAATGTTTATA[C>T]GGTGGAAGCCCCTTTCCCAATCAGGGCCCTGGTCCACCTGCTCCCGGAAGAGCCGAAGCT-3'
Protein context (NP_001193.2, residues 167-187): QGPDWERGFH[Arg177His]INIYEVMKPP